The following is an entry in ClinVar:

ClinVar aggregate classification (germline): Likely benign (0 of 4 stars; one submission).

Conditions:
OTUD7A-related disorder. Also called: OTUD7A-related condition.

Allele frequency attached by ClinVar (database versions not stated): ExAC 0.00011.
gnomAD v4.1: 32 of 1,345,252 alleles (0.0024%); highest among the groups gnomAD compares: Admixed American, 0.0031%; no homozygotes.

Submission:

PreventionGenetics, part of Exact Sciences
Classification: Likely benign for OTUD7A-related condition. Last evaluated: 2019-06-24. Review status: no assertion criteria provided. Collection method: clinical testing. Allele origin: germline.
Comment: This variant is classified as likely benign based on ACMG/AMP sequence variant interpretation guidelines (Richards et al. 2015 PMID: 25741868, with internal and published modifications).

NM_001382637.1(OTUD7A):c.2046C>T (p.Asp682=)

Gene: OTUD7A (OTU deubiquitinase 7A; minus strand). Cytogenetic location: 15q13.3.
Variant type: single nucleotide variant.
Coding change: c.2046C>T on transcript NM_001382637.1 (MANE Select); coding-DNA position 2046, C replaced by T.
Protein change: p.Asp682=; no amino-acid change (aspartic acid 682 retained).
Molecular consequence: synonymous variant.
Genome position (GRCh38, 1-based): chr15:31,484,050, G>A on the plus strand (C>T on the coding strand, the complement: OTUD7A is on the minus strand). VCF-style: chr15-31484050-G-A. GRCh37 (hg19) VCF-style: chr15-31776253-G-A.
Other names: c.2025C>T, p.Asp675= (NM_130901.3).
Identifiers: ClinVar variation 3042756 (VCV003042756.2), dbSNP rs749890600, ClinGen allele CA7453423.